The following is an entry in ClinVar:

NM_181486.4(TBX5):c.672A>T (p.Gln224His)

Gene: TBX5 (T-box transcription factor 5; minus strand). Cytogenetic location: 12q24.21.
Variant type: single nucleotide variant.
Coding change: c.672A>T on transcript NM_181486.4 (MANE Select); coding-DNA position 672, A replaced by T.
Protein change: p.Gln224His; replaces glutamine 224 with histidine.
Molecular consequence: missense variant.
Genome position (GRCh38, 1-based): chr12:114,385,559, T>A on the plus strand (A>T on the coding strand, the complement: TBX5 is on the minus strand). VCF-style: chr12-114385559-T-A. GRCh37 (hg19) VCF-style: chr12-114823364-T-A.
Other names: c.672A>T, p.Gln224His (NM_000192.3); c.522A>T, p.Gln174His (NM_080717.4); short protein forms Q174H, Q224H.
Identifiers: ClinVar variation 4865360 (VCV004865360.1).

ClinVar aggregate classification (germline): Uncertain significance (1 of 4 stars; one submission).

Conditions:
Cardiovascular phenotype. Identifiers: MedGen CN230736.

gnomAD v4.1: 1 of 1,614,102 alleles (0.000062%); highest among the groups gnomAD compares: South Asian, 0.0011%; no homozygotes.

Submission:

Ambry Genetics
Classification: Uncertain significance for Cardiovascular phenotype. Last evaluated: 2026-05-14. Review status: criteria provided, single submitter. Criteria: Ambry Variant Classification Scheme 2023. Collection method: clinical testing. Allele origin: germline.
Comment: The p.Q224H variant (also known as c.672A>T), located in coding exon 6 of the TBX5 gene, results from an A to T substitution at nucleotide position 672. The glutamine at codon 224 is replaced by histidine, an amino acid with highly similar properties. This amino acid position is highly conserved in available vertebrate species. In addition, the in silico prediction for this alteration is inconclusive. Based on the available evidence, the clinical significance of this variant remains unclear.